The following is an entry in ClinVar:

NM_020987.5(ANK3):c.3932T>C (p.Met1311Thr)

Gene: ANK3 (ankyrin 3; minus strand). Cytogenetic location: 10q21.2.
Variant type: single nucleotide variant.
Coding change: c.3932T>C on transcript NM_020987.5 (MANE Select); coding-DNA position 3932, T replaced by C.
Protein change: p.Met1311Thr; replaces methionine 1311 with threonine.
Molecular consequence: missense variant.
Genome position (GRCh38, 1-based): chr10:60,084,744, A>G on the plus strand (T>C on the coding strand, the complement: ANK3 is on the minus strand). VCF-style: chr10-60084744-A-G. GRCh37 (hg19) VCF-style: chr10-61844502-A-G.
Other names: c.1334T>C, p.Met445Thr (NM_001149.4); c.3914T>C, p.Met1305Thr (NM_001204403.2); c.3935T>C, p.Met1312Thr (NM_001204404.2); c.3932T>C, p.Met1311Thr (NM_001320874.2); short protein forms M1305T, M1311T, M1312T, M445T.
Identifiers: ClinVar variation 3024108 (VCV003024108.1), dbSNP rs2492648372, ClinGen allele CA376985630.

ClinVar aggregate classification (germline): Uncertain significance (1 of 4 stars; one submission).

Conditions:
Intellectual developmental disorder, autosomal recessive 37. Also called: Intellectual disability-hypotonia-spasticity-sleep disorder syndrome. Identifiers: Orphanet 356996, MedGen C3809672, MONDO:0014210, OMIM 615493.

Allele frequency attached by ClinVar (database versions not stated): gnomAD exomes below 0.00001.

Submission:

Neuberg Centre For Genomic Medicine, NCGM
Classification: Uncertain significance for Intellectual developmental disorder, autosomal recessive 37. Review status: criteria provided, single submitter. Criteria: ACMG Guidelines, 2015. Collection method: clinical testing. Allele origin: germline. Inheritance: Autosomal recessive inheritance. Affected: yes. Observed: 1 heterozygote.
Comment: The missense c.3932T>C(p.Met1311Thr) variant in ANK3 gene has not been reported previously as a pathogenic variant nor as a benign variant, to our knowledge. This variant is novel (not in any individuals) in gnomAD Exomes and 1000 Genomes. The amino acid Met at position 1311 is changed to a Thr changing protein sequence and it might alter its composition and physico-chemical properties. The amino acid change p.Met1311Thr in ANK3 is predicted as conserved by GERP++ and PhyloP across 100 vertebrates. The variant is predicted as damaging by SIFT. For these reasons, this variant has been classified as Uncertain Significance.